The following is an entry in ClinVar:

NM_002547.3(OPHN1):c.609del (p.Leu204fs)

Gene: OPHN1 (oligophrenin 1; minus strand). Cytogenetic location: Xq12.
Variant type: Deletion.
Coding change: c.609del on transcript NM_002547.3 (MANE Select); coding-DNA position 609, one base deleted (T; older notation c.609delT).
Protein change: p.Leu204fs; shifts the reading frame from leucine 204.
Molecular consequence: frameshift variant.
Genome position (GRCh38, 1-based): chrX:68,212,201, A deleted on the plus strand (T on the coding strand, the reverse complement: OPHN1 is on the minus strand); the first of 3 consecutive A bases (chrX:68,212,201-68,212,203); deleting any one gives the same sequence. VCF-style (leftmost placement, unchanged base first): chrX-68212200-GA-G. GRCh37 (hg19) VCF-style: chrX-67432042-GA-G.
Other names: c.609del, p.Leu204fs (NM_001437258.1); short protein forms L204fs.
Identifiers: ClinVar variation 4292913 (VCV004292913.1).
Genomic context (GRCh38, chrX:68,212,200, plus strand): 5'-ATGGGAGGAAATCCTGTGTGAGCTCCACAGTCAGGCTGTTAGAAATGAACAGACTATGAA[GA>G]AAGGCCAAGACCTAGGGAAAACATGTAAAAATAACTTTATCACCAGCATCTTCTAATAAA-3'

ClinVar aggregate classification (germline): Likely pathogenic (1 of 4 stars; one submission).

Conditions:
Intellectual developmental disorder, X-linked, syndromic, Billuart type. Also called: MENTAL RETARDATION, X-LINKED 60; X-linked intellectual disability-cerebellar hypoplasia syndrome. Identifiers: Orphanet 137831, MedGen C1845366, MONDO:0010337, OMIM 300486.

Submission:

3billion
Classification: Likely pathogenic for Intellectual developmental disorder, X-linked, syndromic, Billuart type. Last evaluated: 2024-06-27. Review status: criteria provided, single submitter. Criteria: ACMG Guidelines, 2015. Collection method: clinical testing. Allele origin: germline. Affected: yes.
Comment: The variant is not observed in the gnomAD v4.0.0 dataset. Predicted Consequence/Location: Frameshift: predicted to result in a loss or disruption of normal protein function through nonsense-mediated decay (NMD) or protein truncation. Multiple pathogenic variants are reported downstream of the variant. Therefore, this variant is classified as Likely pathogenic according to the recommendation of ACMG/AMP guideline.